The following is an entry in ClinVar:

ClinVar aggregate classification (germline): Uncertain significance (1 of 4 stars; one submission).

gnomAD v4.1: 3 of 1,612,934 alleles (0.00019%); highest among the groups gnomAD compares: Non-Finnish European, 0.00025%; no homozygotes.

Submission:

GeneDx
Classification: Uncertain significance. Last evaluated: 2025-06-20. Review status: criteria provided, single submitter. Criteria: GeneDx Variant Classification Process June 2021. Collection method: clinical testing. Allele origin: germline. Affected: yes.
Comment: Not observed at significant frequency in large population cohorts (gnomAD); In silico analysis supports that this missense variant has a deleterious effect on protein structure/function; Has not been previously published as pathogenic or benign to our knowledge

NM_001366145.2(TRPM3):c.1142A>G (p.Glu381Gly)

Gene: TRPM3 (transient receptor potential cation channel subfamily M member 3; minus strand). Cytogenetic location: 9q21.12.
Variant type: single nucleotide variant.
Coding change: c.1142A>G on transcript NM_001366145.2 (MANE Select); coding-DNA position 1142, A replaced by G.
Protein change: p.Glu381Gly; replaces glutamic acid 381 with glycine.
Molecular consequence: missense variant.
Genome position (GRCh38, 1-based): chr9:70,784,111, T>C on the plus strand (A>G on the coding strand, the complement: TRPM3 is on the minus strand). VCF-style: chr9-70784111-T-C. GRCh37 (hg19) VCF-style: chr9-73399027-T-C.
Other names: c.758A>G, p.Glu253Gly (NM_001007470.3, NM_206946.5, NM_206947.5); c.1142A>G, p.Glu381Gly (NM_001007471.4, NM_001366146.2, NM_001366149.2 and 3 more transcripts); c.1148A>G, p.Glu383Gly (NM_001366141.2, NM_001366142.2, NM_001366143.2 and 1 more transcripts); c.1217A>G, p.Glu406Gly (NM_001366147.2, NM_001366148.2, NM_001366152.2); c.683A>G, p.Glu228Gly (NM_001366154.2, NM_020952.6, NM_024971.7 and 3 more transcripts); short protein forms E228G, E253G, E381G, E383G, E406G.
Identifiers: ClinVar variation 4538819 (VCV004538819.1).